The following is an entry in ClinVar:

NM_020461.4(TUBGCP6):c.3932A>C (p.Gln1311Pro)

Gene: TUBGCP6 (tubulin gamma complex component 6; minus strand). Cytogenetic location: 22q13.33.
Variant type: single nucleotide variant.
Coding change: c.3932A>C on transcript NM_020461.4 (MANE Select); coding-DNA position 3932, A replaced by C.
Protein change: p.Gln1311Pro; replaces glutamine 1311 with proline.
Molecular consequence: missense variant.
Genome position (GRCh38, 1-based): chr22:50,220,427, T>G on the plus strand (A>C on the coding strand, the complement: TUBGCP6 is on the minus strand). VCF-style: chr22-50220427-T-G. GRCh37 (hg19) VCF-style: chr22-50658856-T-G.
Other names: short protein forms Q1311P.
Identifiers: ClinVar variation 1959987 (VCV001959987.5), dbSNP rs557274172, ClinGen allele CA412177702.

ClinVar aggregate classification (germline): Uncertain significance (1 of 4 stars; one submission).

Submission:

Labcorp Genetics (formerly Invitae), Labcorp
Classification: Uncertain significance. Last evaluated: 2023-07-10. Review status: criteria provided, single submitter. Criteria: Invitae Variant Classification Sherloc (09022015). Collection method: clinical testing. Allele origin: germline.
Comment: In summary, the available evidence is currently insufficient to determine the role of this variant in disease. Therefore, it has been classified as a Variant of Uncertain Significance. Algorithms developed to predict the effect of missense changes on protein structure and function output the following: SIFT: "Not Available"; PolyPhen-2: "Possibly Damaging"; Align-GVGD: "Not Available". The proline amino acid residue is found in multiple mammalian species, which suggests that this missense change does not adversely affect protein function. ClinVar contains an entry for this variant (Variation ID: 1959987). This variant has not been reported in the literature in individuals affected with TUBGCP6-related conditions. This variant is not present in population databases (gnomAD no frequency). This sequence change replaces glutamine, which is neutral and polar, with proline, which is neutral and non-polar, at codon 1311 of the TUBGCP6 protein (p.Gln1311Pro).